The following is an entry in ClinVar:

ClinVar aggregate classification (germline): Uncertain significance (1 of 4 stars; one submission).

Allele frequency attached by ClinVar (database versions not stated): TOPMed below 0.00001; gnomAD 0.00001.
gnomAD v4.1: 1 of 1,612,166 alleles (0.000062%); highest among the groups gnomAD compares: African/African-American, 0.0013%; no homozygotes.

Submission:

Ambry Genetics
Classification: Uncertain significance. Last evaluated: 2022-07-04. Review status: criteria provided, single submitter. Criteria: Ambry Variant Classification Scheme 2023. Collection method: clinical testing. Allele origin: germline.
Comment: The p.T186I variant (also known as c.557C>T) is located in coding exon 7 of the NPAT gene. The threonine at codon 186 is replaced by isoleucine, an amino acid with similar properties. This change occurs in the first base pair of coding exon 7. This amino acid position is conserved. In addition, this alteration is predicted to be tolerated by in silico analysis. Since supporting evidence is limited at this time, the clinical significance of this alteration remains unclear.

NM_002519.3(NPAT):c.557C>T (p.Thr186Ile)

Gene: NPAT (nuclear protein, coactivator of histone transcription; minus strand). Cytogenetic location: 11q22.3.
Variant type: single nucleotide variant.
Coding change: c.557C>T on transcript NM_002519.3 (MANE Select); coding-DNA position 557, C replaced by T.
Protein change: p.Thr186Ile; replaces threonine 186 with isoleucine.
Molecular consequence: missense variant.
Genome position (GRCh38, 1-based): chr11:108,188,179, G>A on the plus strand (C>T on the coding strand, the complement: NPAT is on the minus strand). VCF-style: chr11-108188179-G-A. GRCh37 (hg19) VCF-style: chr11-108058906-G-A.
Other names: c.557C>T, p.Thr186Ile (NM_001321307.1); short protein forms T186I.
Identifiers: ClinVar variation 1748410 (VCV001748410.2), dbSNP rs1437273536, ClinGen allele CA382523516.